The following is an entry in ClinVar:

ClinVar aggregate classification (germline): Likely benign. Review status: criteria provided, multiple submitters, no conflicts (2 of 4 stars). 2 submissions from 2 submitters: Likely benign (2). Last evaluated 2026-09-01.

Allele frequency attached by ClinVar (database versions not stated): TOPMed 0.00003; gnomAD exomes 0.00004; ExAC 0.00005.
gnomAD v4.1: 40 of 1,614,062 alleles (0.0025%); highest among the groups gnomAD compares: Middle Eastern, 0.016%; no homozygotes.

Submissions (2):

CeGaT Center for Human Genetics Tuebingen
Classification: Likely benign. Last evaluated: 2026-09-01. Review status: criteria provided, single submitter. Criteria: CeGaT Center For Human Genetics Tuebingen Variant Classification Criteria Version 2. Collection method: clinical testing. Allele origin: germline. Affected: yes. Observed: 1 variant allele.
Comment: NLRP1: BP4, BP7

Labcorp Genetics (formerly Invitae), Labcorp
Classification: Likely benign. Last evaluated: 2025-12-29. Review status: criteria provided, single submitter. Criteria: Invitae Variant Classification Sherloc (09022015). Collection method: clinical testing. Allele origin: germline.

NM_033004.4(NLRP1):c.4263G>A (p.Thr1421=)

Gene: NLRP1 (NLR family pyrin domain containing 1; minus strand). Cytogenetic location: 17p13.2.
Variant type: single nucleotide variant.
Coding change: c.4263G>A on transcript NM_033004.4 (MANE Select); coding-DNA position 4263, G replaced by A.
Protein change: p.Thr1421=; no amino-acid change (threonine 1421 retained).
Molecular consequence: synonymous variant. On other transcripts: intron variant (1).
Genome position (GRCh38, 1-based): chr17:5,514,913, C>T on the plus strand (G>A on the coding strand, the complement: NLRP1 is on the minus strand). VCF-style: chr17-5514913-C-T. GRCh37 (hg19) VCF-style: chr17-5418233-C-T.
Other names: c.4131G>A, p.Thr1377= (NM_014922.5); c.4173G>A, p.Thr1391= (NM_033006.4); c.4041G>A, p.Thr1347= (NM_033007.4); c.4069+2833G>A (NM_001033053.3).
Identifiers: ClinVar variation 747197 (VCV000747197.9), dbSNP rs200752257, ClinGen allele CA8326594.
Genomic context (GRCh38, chr17:5,514,913, plus strand): 5'-TTTGCACTTCCGGTCCCAGGACTGGCTCAAGCTGAACAGCTTCCGCATCTGGCTGGGCCT[C>T]GTGTTCTCAGCCAGCACCCTCTCGTACTGCTCCTGGCTCAGCACCTGTCCATGCAGTTTG-3'
Protein context (NP_127497.1, residues 1411-1431): EQYERVLAEN[Thr1421=]RPSQMRKLFS